The following is an entry in ClinVar:

NM_000944.5(PPP3CA):c.927A>G (p.Pro309=)

Gene: PPP3CA (protein phosphatase 3 catalytic subunit alpha; minus strand). Cytogenetic location: 4q24.
Variant type: single nucleotide variant.
Coding change: c.927A>G on transcript NM_000944.5 (MANE Select); coding-DNA position 927, A replaced by G.
Protein change: p.Pro309=; no amino-acid change (proline 309 retained).
Molecular consequence: synonymous variant.
Genome position (GRCh38, 1-based): chr4:101,080,560, T>C on the plus strand (A>G on the coding strand, the complement: PPP3CA is on the minus strand). VCF-style: chr4-101080560-T-C. GRCh37 (hg19) VCF-style: chr4-102001717-T-C.
Other names: c.927A>G, p.Pro309= (NM_001130691.2, NM_001130692.2).
Identifiers: ClinVar variation 2672997 (VCV002672997.26), dbSNP rs200541572, ClinGen allele CA3024383.

ClinVar aggregate classification (germline): Likely benign. Review status: criteria provided, multiple submitters, no conflicts (2 of 4 stars). 2 submissions from 2 submitters: Likely benign (2). Last evaluated 2023-11-01.

Allele frequency attached by ClinVar (database versions not stated): gnomAD exomes below 0.00001; TOPMed below 0.00001; ExAC 0.00001; gnomAD 0.00001; 1000 Genomes Project 0.00020; 1000 Genomes Project 30x 0.00031.
gnomAD v4.1: 2 of 1,527,920 alleles (0.00013%); highest among the groups gnomAD compares: Admixed American, 0.0017%; no homozygotes.

Submissions (2):

CeGaT Center for Human Genetics Tuebingen
Classification: Likely benign. Last evaluated: 2023-11-01. Review status: criteria provided, single submitter. Criteria: CeGaT Center For Human Genetics Tuebingen Variant Classification Criteria Version 2. Collection method: clinical testing. Allele origin: germline. Affected: yes. Observed: 1 variant allele.
Comment: PPP3CA: BP4, BP7

Labcorp Genetics (formerly Invitae), Labcorp
Classification: Likely benign. Last evaluated: 2023-10-06. Review status: criteria provided, single submitter. Criteria: Invitae Variant Classification Sherloc (09022015). Collection method: clinical testing. Allele origin: germline.